The following is an entry in ClinVar:

ClinVar aggregate classification (germline): Conflicting classifications of pathogenicity. Review status: criteria provided, conflicting classifications (1 of 4 stars). 3 submissions from 3 submitters: Pathogenic (2); Uncertain significance (1). Last evaluated 2025-02-11.

Conditions:
DNAH11-related disorders.
Primary ciliary dyskinesia 7. Also called: CILIARY DYSKINESIA, PRIMARY, 7, WITH OR WITHOUT SITUS INVERSUS. Identifiers: Orphanet 244, MedGen C2678473, MONDO:0012748, OMIM 611884.
Primary ciliary dyskinesia. Also called: Ciliary dyskinesia. Identifiers: Orphanet 244, MedGen C0008780, MONDO:0016575, HP:0012265.

gnomAD v4.1: 25 of 1,601,610 alleles (0.0016%); no homozygotes.

Submissions (3):

Broad Center for Mendelian Genomics, Broad Institute of MIT and Harvard
Classification: Uncertain significance for Primary ciliary dyskinesia 7. Last evaluated: 2025-02-11. Review status: criteria provided, single submitter. Criteria: ACMG Guidelines, 2015. Collection method: curation. Allele origin: germline. Inheritance: Autosomal recessive inheritance.
Comment: The p.Glu781Lys variant in DNAH11 has been reported in 5 individuals with primary ciliary dyskinesia (PMID: 33243178), segregated with disease in 5 affected relatives from 2 families (PMID: 33243178), and has been identified in 0.03% (22/63694) of Finnish chromosomes by the Genome Aggregation Database (gnomAD; dbSNP rs757394560). Although this variant has been seen in the general population in a heterozygous state, its frequency is not high enough to rule out a pathogenic role. Of the 5 affected individuals, 3 of those were homozygotes, which increases the likelihood that the p.Glu781Lys variant is pathogenic (PMID: 33243178). Computational prediction tools and conservation analyses do not provide strong support for or against an impact to the protein. In summary, the clinical significance of the p.Glu781Lys variant is uncertain. ACMG/AMP Criteria applied: PP1_moderate, PM3_supporting (Richards 2015).

Labcorp Genetics (formerly Invitae), Labcorp
Classification: Pathogenic for Primary ciliary dyskinesia. Last evaluated: 2024-11-21. Review status: criteria provided, single submitter. Criteria: Invitae Variant Classification Sherloc (09022015). Collection method: clinical testing. Allele origin: germline.
Comment: This sequence change replaces glutamic acid, which is acidic and polar, with lysine, which is basic and polar, at codon 781 of the DNAH11 protein (p.Glu781Lys). This variant is present in population databases (rs757394560, gnomAD 0.03%). This missense change has been observed in individual(s) with primary ciliary dyskinesia (PMID: 33243178). It has also been observed to segregate with disease in related individuals. Invitae Evidence Modeling of protein sequence and biophysical properties (such as structural, functional, and spatial information, amino acid conservation, physicochemical variation, residue mobility, and thermodynamic stability) has been performed for this missense variant. However, the output from this modeling did not meet the statistical confidence thresholds required to predict the impact of this variant on DNAH11 protein function. For these reasons, this variant has been classified as Pathogenic.

Blueprint Genetics
Classification: Pathogenic for DNAH11-related disorders. Last evaluated: 2023-05-26. Review status: criteria provided, single submitter. Criteria: ACMG Guidelines, 2015. Collection method: clinical testing. Allele origin: germline. Affected: yes. Observed: 5 variant alleles.

Literature cited by the submitters: PubMed 33243178 (cited by Labcorp Genetics (formerly Invitae), Labcorp).

NM_001277115.2(DNAH11):c.2341G>A (p.Glu781Lys)

Gene: DNAH11 (dynein axonemal heavy chain 11; plus strand). Cytogenetic location: 7p15.3.
Variant type: single nucleotide variant.
Coding change: c.2341G>A on transcript NM_001277115.2 (MANE Select); coding-DNA position 2341, G replaced by A.
Protein change: p.Glu781Lys; replaces glutamic acid 781 with lysine.
Molecular consequence: missense variant.
Genome position (GRCh38, 1-based): chr7:21,591,251, G>A. VCF-style: chr7-21591251-G-A. GRCh37 (hg19) VCF-style: chr7-21630869-G-A.
Other names: NM_001277115.2:c.2341G>A; short protein forms E781K.
Identifiers: ClinVar variation 3625846 (VCV003625846.4).
Genomic context (GRCh38, chr7:21,591,251, plus strand): 5'-GGAAATCTTGACCTTCTTGTGCAAGGGTATAATAAACTCAAACAGACGCTCCTGGAAGTT[G>A]AATACCCTCTGATTGAAGATGAGCTGAGGGCTATTGACGAGCAGCTGACAGCAGCCACAA-3'
Protein context (NP_001264044.1, residues 771-791): NKLKQTLLEV[Glu781Lys]YPLIEDELRA